The following is an entry in ClinVar:

NM_001039348.3(EFEMP1):c.488A>G (p.Tyr163Cys)

Gene: EFEMP1 (EGF-like fibulin extracellular matrix protein 1; minus strand). Cytogenetic location: 2p16.1.
Variant type: single nucleotide variant.
Coding change: c.488A>G on transcript NM_001039348.3 (MANE Select); coding-DNA position 488, A replaced by G.
Protein change: p.Tyr163Cys; replaces tyrosine 163 with cysteine.
Molecular consequence: missense variant.
Genome position (GRCh38, 1-based): chr2:55,917,694, T>C on the plus strand (A>G on the coding strand, the complement: EFEMP1 is on the minus strand). VCF-style: chr2-55917694-T-C. GRCh37 (hg19) VCF-style: chr2-56144829-T-C.
Other names: c.488A>G, p.Tyr163Cys (NM_001039349.3); short protein forms Y163C.
Identifiers: ClinVar variation 2780779 (VCV002780779.3), dbSNP rs1280781387, ClinGen allele CA347026360.
Genomic context (GRCh38, chr2:55,917,694, plus strand): 5'-TTCAATGGTTAGGAAAATAAGTTATTCCTACCTTGGCACACGTTGTGTTCACTTTGCTCG[T>C]AGCCTGCTGCACACTGGATACGGTGGGAAGGGTTGGAGGGAATGCGCTGAGGGTCAGCTG-3'
Protein context (NP_001034437.1, residues 153-173): PSHRIQCAAG[Tyr163Cys]EQSEHNVCQD

ClinVar aggregate classification (germline): Uncertain significance (1 of 4 stars; one submission).

Allele frequency attached by ClinVar (database versions not stated): TOPMed below 0.00001; gnomAD 0.00001.

Submission:

Labcorp Genetics (formerly Invitae), Labcorp
Classification: Uncertain significance. Last evaluated: 2022-12-30. Review status: criteria provided, single submitter. Criteria: Invitae Variant Classification Sherloc (09022015). Collection method: clinical testing. Allele origin: germline.
Comment: In summary, the available evidence is currently insufficient to determine the role of this variant in disease. Therefore, it has been classified as a Variant of Uncertain Significance. Advanced modeling of protein sequence and biophysical properties (such as structural, functional, and spatial information, amino acid conservation, physicochemical variation, residue mobility, and thermodynamic stability) performed at Invitae indicates that this missense variant is not expected to disrupt EFEMP1 protein function. This variant has not been reported in the literature in individuals affected with EFEMP1-related conditions. This variant is not present in population databases (gnomAD no frequency). This sequence change replaces tyrosine, which is neutral and polar, with cysteine, which is neutral and slightly polar, at codon 163 of the EFEMP1 protein (p.Tyr163Cys).